The following is an entry in ClinVar:

NM_016169.4(SUFU):c.739_756+12del

Gene: SUFU (SUFU negative regulator of hedgehog signaling; plus strand). Cytogenetic location: 10q24.32.
Variant type: Deletion.
Coding change: c.739_756+12del on transcript NM_016169.4 (MANE Select); coding-DNA position 739 through 12 bases into the intron after coding-DNA position 756, 30 bases deleted (ATCGATCCACACCTGCAAGTATGTCTTGAG).
Molecular consequence: splice donor variant.
Genome position (GRCh38, 1-based): chr10:102,594,048-102,594,077, ATCGATCCACACCTGCAAGTATGTCTTGAG deleted; deleting any 30 consecutive bases within chr10:102,594,043-102,594,077 gives the same sequence; the c. name uses the placement nearest the transcript's 3' end. VCF-style (leftmost placement, unchanged base first): chr10-102594042-TTTGAGATCGATCCACACCTGCAAGTATGTC-T. GRCh37 (hg19) VCF-style: chr10-104353799-TTTGAGATCGATCCACACCTGCAAGTATGTC-T.
Other names: c.739_756+12del (NM_001178133.2).
Identifiers: ClinVar variation 2452609 (VCV002452609.2), dbSNP rs2545087054, ClinGen allele CA2580081189.

ClinVar aggregate classification (germline): Likely pathogenic (1 of 4 stars; one submission).

Conditions:
Hereditary cancer-predisposing syndrome. Also called: Neoplastic Syndromes, Hereditary; Tumor predisposition; Hereditary neoplastic syndrome; Hereditary Cancer Syndrome. Identifiers: Orphanet 140162, MedGen C0027672, MeSH D009386, MONDO:0015356.

Submission:

Ambry Genetics
Classification: Likely pathogenic for Hereditary cancer-predisposing syndrome. Last evaluated: 2024-02-29. Review status: criteria provided, single submitter. Criteria: Ambry Variant Classification Scheme 2023. Collection method: clinical testing. Allele origin: germline.
Comment: The c.739_756+12del30 variant results from a deletion of 30 nucleotides between positions c.739 and c.756+12 and involves the canonical splice donor site after coding exon 6 of the SUFU gene. This variant is considered to be rare based on population cohorts in the Genome Aggregation Database (gnomAD). The canonical splice donor site is well conserved in available vertebrate species. In silico splice site analysis predicts that this alteration will weaken the native splice donor site; however, direct evidence is insufficient at this time (Ambry internal data). Alterations that disrupt the canonical splice site are expected to cause aberrant splicing, resulting in an abnormal protein or a transcript that is subject to nonsense-mediated mRNA decay. As such, this alteration is classified as likely pathogenic.